The following is an entry in ClinVar:

NM_000014.6(A2M):c.1296C>T (p.Tyr432=)

Genes: A2M (alpha-2-macroglobulin; minus strand), KLRG1 (killer cell lectin like receptor G1; plus strand). Cytogenetic location: 12p13.31.
Variant type: single nucleotide variant.
Coding change: c.1296C>T on transcript NM_000014.6 (MANE Select); coding-DNA position 1296, C replaced by T.
Protein change: p.Tyr432=; no amino-acid change (tyrosine 432 retained).
Molecular consequence: synonymous variant.
Genome position (GRCh38, 1-based): chr12:9,101,645, G>A on the plus strand (C>T on the coding strand, the complement: A2M is on the minus strand). VCF-style: chr12-9101645-G-A. GRCh37 (hg19) VCF-style: chr12-9254241-G-A.
Other names: c.1296C>T, p.Tyr432= (NM_001347423.2); c.996C>T, p.Tyr332= (NM_001347424.2); c.846C>T, p.Tyr282= (NM_001347425.2).
Identifiers: ClinVar variation 3057071 (VCV003057071.2), dbSNP rs2228222, ClinGen allele CA6438686.

ClinVar aggregate classification (germline): Benign (0 of 4 stars; one submission).

Conditions:
A2M-related disorder. Also called: A2M-related condition.

Allele frequency attached by ClinVar (database versions not stated): gnomAD 0.04251; ESP Exome Variant Server 0.04675; 1000 Genomes Project 30x 0.03389; 1000 Genomes Project 0.03494; TOPMed 0.04104; ExAC 0.05105; gnomAD exomes 0.05424.
gnomAD v4.1: 85,980 of 1,613,432 alleles (5.3%); highest among the groups gnomAD compares: South Asian, 8%; 2,730 homozygotes.

Submission:

PreventionGenetics, part of Exact Sciences
Classification: Benign for A2M-related condition. Last evaluated: 2019-11-04. Review status: no assertion criteria provided. Collection method: clinical testing. Allele origin: germline.
Comment: This variant is classified as benign based on ACMG/AMP sequence variant interpretation guidelines (Richards et al. 2015 PMID: 25741868, with internal and published modifications).